The following is an entry in ClinVar:

NM_001408.3(CELSR2):c.5264C>T (p.Ala1755Val)

Gene: CELSR2 (cadherin EGF LAG seven-pass G-type receptor 2; plus strand). Cytogenetic location: 1p13.3.
Variant type: single nucleotide variant.
Coding change: c.5264C>T on transcript NM_001408.3 (MANE Select); coding-DNA position 5264, C replaced by T.
Protein change: p.Ala1755Val; replaces alanine 1755 with valine.
Molecular consequence: missense variant.
Genome position (GRCh38, 1-based): chr1:109,264,340, C>T. VCF-style: chr1-109264340-C-T. GRCh37 (hg19) VCF-style: chr1-109806962-C-T.
Other names: short protein forms A1755V.
Identifiers: ClinVar variation 4697456 (VCV004697456.1).

ClinVar aggregate classification (germline): Uncertain significance (1 of 4 stars; one submission).

gnomAD v4.1: 2 of 1,609,680 alleles (0.00012%); highest among the groups gnomAD compares: Admixed American, 0.0033%; no homozygotes.

Submission:

Labcorp Genetics (formerly Invitae), Labcorp
Classification: Uncertain significance. Last evaluated: 2025-05-16. Review status: criteria provided, single submitter. Criteria: Invitae Variant Classification Sherloc (09022015). Collection method: clinical testing. Allele origin: germline.
Comment: This sequence change replaces alanine, which is neutral and non-polar, with valine, which is neutral and non-polar, at codon 1755 of the CELSR2 protein (p.Ala1755Val). This variant is present in population databases (no rsID available, gnomAD no frequency). This variant has not been reported in the literature in individuals affected with CELSR2-related conditions. Invitae Evidence Modeling of protein sequence and biophysical properties (such as structural, functional, and spatial information, amino acid conservation, physicochemical variation, residue mobility, and thermodynamic stability) indicates that this missense variant is not expected to disrupt CELSR2 protein function with a negative predictive value of 80%. In summary, the available evidence is currently insufficient to determine the role of this variant in disease. Therefore, it has been classified as a Variant of Uncertain Significance.